The following is an entry in ClinVar:

NM_006031.6(PCNT):c.204C>G (p.Asp68Glu)

Gene: PCNT (pericentrin; plus strand). Cytogenetic location: 21q22.3.
Variant type: single nucleotide variant.
Coding change: c.204C>G on transcript NM_006031.6 (MANE Select); coding-DNA position 204, C replaced by G.
Protein change: p.Asp68Glu; replaces aspartic acid 68 with glutamic acid.
Molecular consequence: missense variant. On other transcripts: 5 prime UTR variant (1).
Genome position (GRCh38, 1-based): chr21:46,326,526, C>G. VCF-style: chr21-46326526-C-G. GRCh37 (hg19) VCF-style: chr21-47746440-C-G.
Other names: c.-151C>G (NM_001315529.2); short protein forms D68E.
Identifiers: ClinVar variation 4979540 (VCV004979540.1).
Genomic context (GRCh38, chr21:46,326,526, plus strand): 5'-GTCTGTCCAGGAGGAGAGTCCGGTAACCAAGGAGGACAGCGCACTCTGTGGAGGAGGGGA[C>G]ATTTGCAAAAGCACATCATGTGACGACACCCCTGATGGGGCAGGAGGGGCCTTTGCAGCT-3'
Protein context (NP_006022.3, residues 58-78): KEDSALCGGG[Asp68Glu]ICKSTSCDDT

ClinVar aggregate classification (germline): Uncertain significance (1 of 4 stars; one submission).

Conditions:
PCNT-related disorder. Also called: PCNT-related condition.

gnomAD v4.1: 2 of 1,614,036 alleles (0.00012%); highest among the groups gnomAD compares: Non-Finnish European, 0.00017%; no homozygotes.

Submission:

PreventionGenetics, part of Exact Sciences
Classification: Uncertain significance for PCNT-related condition. Last evaluated: 2025-04-05. Review status: criteria provided, single submitter. Criteria: ACMG Guidelines, 2015. Collection method: clinical testing. Allele origin: germline.
Comment: The PCNT c.204C>G variant is predicted to result in the amino acid substitution p.Asp68Glu. To our knowledge, this variant has not been reported in the literature or in a large population database (gnomAD), indicating this variant is rare. At this time, the clinical significance of this variant is uncertain due to the absence of conclusive functional and genetic evidence.